The following is an entry in ClinVar:

NM_001042432.2(CLN3):c.976T>C (p.Tyr326His)

Gene: CLN3 (CLN3 lysosomal/endosomal transmembrane protein, battenin; minus strand). Cytogenetic location: 16p12.1.
Variant type: single nucleotide variant.
Coding change: c.976T>C on transcript NM_001042432.2 (MANE Select); coding-DNA position 976, T replaced by C.
Protein change: p.Tyr326His; replaces tyrosine 326 with histidine.
Molecular consequence: missense variant.
Genome position (GRCh38, 1-based): chr16:28,482,185, A>G on the plus strand (T>C on the coding strand, the complement: CLN3 is on the minus strand). VCF-style: chr16-28482185-A-G. GRCh37 (hg19) VCF-style: chr16-28493506-A-G.
Other names: p.Y326H:TAC>CAC; c.976T>C, p.Tyr326His (NM_000086.2); c.904T>C, p.Tyr302His (NM_001286104.2); c.676T>C, p.Tyr226His (NM_001286105.2); c.742T>C, p.Tyr248His (NM_001286109.2); c.814T>C, p.Tyr272His (NM_001286110.2); short protein forms Y326H, Y248H, Y272H, Y226H, Y302H.
Identifiers: ClinVar variation 205094 (VCV000205094.2), dbSNP rs796052337, ClinGen allele CA313717.
Genomic context (GRCh38, chr16:28,482,185, plus strand): 5'-AGGTGAAACGGATGCGACAGCAGCGGAGAGAAGAGCGGGAGGCAAAGACGCCAGCCTGGT[A>G]CAGCATCTGGTACCTGAGGTTAGGGTTGGGGGGAGGAGAGGAGGCTCCTCCAGGGACCAT-3'
Protein context (NP_001035897.1, residues 316-336): AQQYRWYQML[Tyr326His]QAGVFASRSS

ClinVar aggregate classification (germline): Uncertain significance (1 of 4 stars; one submission).

Allele frequency attached by ClinVar (database versions not stated): TOPMed below 0.00001.

Submission:

GeneDx
Classification: Uncertain significance. Last evaluated: 2013-12-18. Review status: criteria provided, single submitter. Criteria: GeneDx Variant Classification (06012015). Collection method: clinical testing. Allele origin: germline. Affected: yes.
Comment: p.Tyr326His (TAC>CAC): c.976 T>C in exon 14 of the CLN3 gene (NM_001042432.1). The Tyr326His missense change in the CLN3 gene has not been published as a mutation, nor has it been reported as a benign polymorphism to our knowledge. It was not observed in approximately 6,500 individuals of European and African American ancestry in the NHLBI Exome Sequencing Project, indicating it is not a common benign variant in these populations. This variant is a non-conservative amino acid substitution of an uncharged Tyrosine residue with a positively charged Histidine residue at a position that is conserved across species, and missense mutations associated with neuronal ceroid lipofuscinosis have been reported in this region of the protein. In silico analysis predicts this variant is probably damaging to the protein structure/function. However, based on the currently available information, it is unclear whether Tyr326His is a disease-causing mutation or a rare benign variant. The variant is found in CHILD-EPI panel(s).